The following is an entry in ClinVar:

NM_001855.5(COL15A1):c.2373G>A (p.Pro791=)

Gene: COL15A1 (collagen type XV alpha 1 chain; plus strand). Cytogenetic location: 9q22.33.
Variant type: single nucleotide variant.
Coding change: c.2373G>A on transcript NM_001855.5 (MANE Select); coding-DNA position 2373, G replaced by A.
Protein change: p.Pro791=; no amino-acid change (proline 791 retained).
Molecular consequence: synonymous variant.
Genome position (GRCh38, 1-based): chr9:99,036,360, G>A. VCF-style: chr9-99036360-G-A. GRCh37 (hg19) VCF-style: chr9-101798642-G-A.
Identifiers: ClinVar variation 3052654 (VCV003052654.2), dbSNP rs750319748, ClinGen allele CA5155337.

ClinVar aggregate classification (germline): Likely benign (0 of 4 stars; one submission).

Conditions:
COL15A1-related disorder. Also called: COL15A1-related condition.

Allele frequency attached by ClinVar (database versions not stated): gnomAD 0.00011; ExAC 0.00012; TOPMed 0.00016.

Submission:

PreventionGenetics, part of Exact Sciences
Classification: Likely benign for COL15A1-related condition. Last evaluated: 2019-08-29. Review status: no assertion criteria provided. Collection method: clinical testing. Allele origin: germline.
Comment: This variant is classified as likely benign based on ACMG/AMP sequence variant interpretation guidelines (Richards et al. 2015 PMID: 25741868, with internal and published modifications).